The following is an entry in ClinVar:

NM_000135.4(FANCA):c.86G>A (p.Arg29Lys)

Gene: FANCA (FA complementation group A; minus strand). Cytogenetic location: 16q24.3.
Variant type: single nucleotide variant.
Coding change: c.86G>A on transcript NM_000135.4 (MANE Select); coding-DNA position 86, G replaced by A.
Protein change: p.Arg29Lys; replaces arginine 29 with lysine.
Molecular consequence: missense variant.
Genome position (GRCh38, 1-based): chr16:89,815,980, C>T on the plus strand (G>A on the coding strand, the complement: FANCA is on the minus strand). VCF-style: chr16-89815980-C-T. GRCh37 (hg19) VCF-style: chr16-89882388-C-T.
Other names: c.86G>A (NM_000135.3); c.86G>A, p.Arg29Lys (NM_001018112.3, NM_001286167.3, NM_001351830.2); short protein forms R29K.
Identifiers: ClinVar variation 4254199 (VCV004254199.2).

ClinVar aggregate classification (germline): Uncertain significance. Review status: criteria provided, multiple submitters, no conflicts (2 of 4 stars). 2 submissions from 2 submitters: Uncertain significance (2). Last evaluated 2025-07-13.

Conditions:
Inborn genetic diseases. Identifiers: MedGen C0950123, MeSH D030342.

Submissions (2):

Ambry Genetics
Classification: Uncertain significance for Inborn genetic diseases. Last evaluated: 2025-07-13. Review status: criteria provided, single submitter. Criteria: Ambry Variant Classification Scheme 2023. Collection method: clinical testing. Allele origin: germline.
Comment: The p.R29K variant (also known as c.86G>A), located in coding exon 2 of the FANCA gene, results from a G to A substitution at nucleotide position 86. The arginine at codon 29 is replaced by lysine, an amino acid with highly similar properties. This amino acid position is conserved. In addition, the in silico prediction for this alteration is inconclusive. Based on the available evidence, the clinical significance of this variant remains unclear.

Quest Diagnostics Nichols Institute San Juan Capistrano
Classification: Uncertain significance. Last evaluated: 2025-05-14. Review status: criteria provided, single submitter. Criteria: Quest Diagnostics criteria. Collection method: clinical testing. Allele origin: unknown.
Comment: The FANCA c.86G>A (p.Arg29Lys) variant has not been reported in individuals with FANCA-related conditions in the published literature. The frequency of this variant in the general population (Genome Aggregation Database) is uninformative in the assessment of its pathogenicity. Analysis of this variant using bioinformatics tools for the prediction of the effect of amino acid changes on protein structure and function yielded conflicting predictions that this variant is benign or damaging. Additional analysis using software algorithms for the prediction of the effect of nucleotide changes on FANCA mRNA splicing yielded predictions that this variant may result in the gain of a cryptic splice site without affecting the natural splice sites. Based on the available information, we are unable to determine the clinical significance of this variant.